The following is an entry in ClinVar:

NM_006531.5(IFT88):c.266A>G (p.Asp89Gly)

Gene: IFT88 (intraflagellar transport 88; plus strand). Cytogenetic location: 13q12.11.
Variant type: single nucleotide variant.
Coding change: c.266A>G on transcript NM_006531.5 (MANE Select); coding-DNA position 266, A replaced by G.
Protein change: p.Asp89Gly; replaces aspartic acid 89 with glycine.
Molecular consequence: missense variant. On other transcripts: 5 prime UTR variant (1), non-coding transcript variant (5).
Genome position (GRCh38, 1-based): chr13:20,591,619, A>G. VCF-style: chr13-20591619-A-G. GRCh37 (hg19) VCF-style: chr13-21165758-A-G.
Other names: c.209A>G, p.Asp70Gly (NM_001318491.2, NM_001353573.2, NM_001353574.2 and 1 more transcripts); c.293A>G, p.Asp98Gly (NM_001318493.2, NM_001353565.2, NM_001353566.2 and 6 more transcripts); c.266A>G, p.Asp89Gly (NM_001353568.2, NM_001353571.2, NM_001353572.2 and 1 more transcripts); c.-298A>G (NM_001353579.2); short protein forms D89G, D70G, D98G.
Identifiers: ClinVar variation 2088252 (VCV002088252.4), dbSNP rs372975558, ClinGen allele CA387471719.

ClinVar aggregate classification (germline): Uncertain significance (1 of 4 stars; one submission).

gnomAD v4.1: 2 of 1,611,178 alleles (0.00012%); highest among the groups gnomAD compares: Non-Finnish European, 0.00017%; no homozygotes.

Submission:

Labcorp Genetics (formerly Invitae), Labcorp
Classification: Uncertain significance. Last evaluated: 2023-05-15. Review status: criteria provided, single submitter. Criteria: Invitae Variant Classification Sherloc (09022015). Collection method: clinical testing. Allele origin: germline.
Comment: An algorithm developed to predict the effect of missense changes on protein structure and function (PolyPhen-2) suggests that this variant is likely to be tolerated. In summary, the available evidence is currently insufficient to determine the role of this variant in disease. Therefore, it has been classified as a Variant of Uncertain Significance. ClinVar contains an entry for this variant (Variation ID: 2088252). This variant has not been reported in the literature in individuals affected with IFT88-related conditions. This variant is not present in population databases (gnomAD no frequency). This sequence change replaces aspartic acid, which is acidic and polar, with glycine, which is neutral and non-polar, at codon 98 of the IFT88 protein (p.Asp98Gly).